The following is an entry in ClinVar:

NM_004370.6(COL12A1):c.7302C>T (p.Asp2434=)

Genes: COL12A1 (collagen type XII alpha 1 chain; minus strand), LOC126859712 (MED14-independent group 3 enhancer GRCh37_chr6:75828643-75829842; plus strand). Cytogenetic location: 6q13.
Variant type: single nucleotide variant.
Coding change: c.7302C>T on transcript NM_004370.6 (MANE Select); coding-DNA position 7302, C replaced by T.
Protein change: p.Asp2434=; no amino-acid change (aspartic acid 2434 retained).
Molecular consequence: synonymous variant.
Genome position (GRCh38, 1-based): chr6:75,119,095, G>A on the plus strand (C>T on the coding strand, the complement: COL12A1 is on the minus strand). VCF-style: chr6-75119095-G-A. GRCh37 (hg19) VCF-style: chr6-75828811-G-A.
Other names: c.3810C>T, p.Asp1270= (NM_080645.3).
Identifiers: ClinVar variation 705029 (VCV000705029.21), dbSNP rs372068116, ClinGen allele CA3892601.
Genomic context (GRCh38, chr6:75,119,095, plus strand): 5'-GTGCTTGCCTGACTGCTGGATGACCAAAGCCGCCTTCTTGACCTCATCCTGGGACCGACC[G>A]TCCGTGACCACAACCAACACCTTAGGGACATTCTTCCTCATGCCGCTCTCCCAAGTCAAG-3'
Protein context (NP_004361.3, residues 2424-2444): NVPKVLVVVT[Asp2434=]GRSQDEVKKA

ClinVar aggregate classification (germline): Likely benign. Review status: criteria provided, multiple submitters, no conflicts (2 of 4 stars). 4 submissions from 4 submitters: Likely benign (3). 1 of the submissions does not count toward it. Last evaluated 2026-01-20.

Conditions:
COL12A1-related disorder. Also called: COL12A1-related condition.
Ullrich congenital muscular dystrophy 2 (UCMD2). Identifiers: Orphanet 75840, MedGen C4225314, MONDO:0014654, OMIM 616470.
Bethlem myopathy 2 (BTHLM2). Identifiers: Orphanet 536516, Orphanet 610, MedGen C4225313, MONDO:0034022, OMIM 616471.

Allele frequency attached by ClinVar (database versions not stated): gnomAD exomes 0.00002 and 0.00004; ExAC 0.00005; gnomAD 0.00007 and 0.00009; TOPMed 0.00009; ESP Exome Variant Server 0.00016.
gnomAD v4.1: 45 of 1,613,756 alleles (0.0028%); highest among the groups gnomAD compares: African/African-American, 0.019%; no homozygotes.

Submissions (4):

Labcorp Genetics (formerly Invitae), Labcorp
Classification: Likely benign for Bethlem myopathy 2; Ullrich congenital muscular dystrophy 2. Last evaluated: 2026-01-20. Review status: criteria provided, single submitter. Criteria: Invitae Variant Classification Sherloc (09022015). Collection method: clinical testing. Allele origin: germline.

Women's Health and Genetics/Laboratory Corporation of America, LabCorp
Classification: Likely benign. Last evaluated: 2025-05-19. Review status: criteria provided, single submitter. Criteria: LabCorp Variant Classification Summary - May 2015. Collection method: clinical testing. Allele origin: germline.

CeGaT Center for Human Genetics Tuebingen
Classification: Likely benign. Last evaluated: 2025-05-01. Review status: criteria provided, single submitter. Criteria: CeGaT Center For Human Genetics Tuebingen Variant Classification Criteria Version 2. Collection method: clinical testing. Allele origin: germline. Affected: yes. Observed: 1 variant allele.
Comment: COL12A1: BP4, BP7

PreventionGenetics, part of Exact Sciences
Classification: Likely benign for COL12A1-related condition. Last evaluated: 2022-06-02. Review status: no assertion criteria provided. Collection method: clinical testing. Allele origin: germline. Not counted in ClinVar's aggregate classification.
Comment: This variant is classified as likely benign based on ACMG/AMP sequence variant interpretation guidelines (Richards et al. 2015 PMID: 25741868, with internal and published modifications).